The following is an entry in ClinVar:

ClinVar aggregate classification (germline): Likely benign (0 of 4 stars; one submission).

Conditions:
CACNA2D3-related disorder. Also called: CACNA2D3-related condition.

Submission:

PreventionGenetics, part of Exact Sciences
Classification: Likely benign for CACNA2D3-related condition. Last evaluated: 2020-01-21. Review status: no assertion criteria provided. Collection method: clinical testing. Allele origin: germline.
Comment: This variant is classified as likely benign based on ACMG/AMP sequence variant interpretation guidelines (Richards et al. 2015 PMID: 25741868, with internal and published modifications).

NM_018398.3(CACNA2D3):c.322-7_322-3dup

Gene: CACNA2D3 (calcium voltage-gated channel auxiliary subunit alpha2delta 3; plus strand). Cytogenetic location: 3p21.1.
Variant type: Duplication.
Coding change: c.322-7_322-3dup on transcript NM_018398.3 (MANE Select); 7 bases into the intron before coding-DNA position 322 through 3 bases into the intron before coding-DNA position 322, 5 bases duplicated (TTTTT; older notation c.322-7_322-3dupTTTTT).
Molecular consequence: intron variant.
Genome position (GRCh38, 1-based): chr3:54,386,708-54,386,712, TTTTT duplicated; duplicating any 5 consecutive bases within chr3:54,386,695-54,386,712 gives the same sequence; the c. name uses the placement nearest the transcript's 3' end. VCF-style (leftmost placement, unchanged base first): chr3-54386694-G-GTTTTT. GRCh37 (hg19) VCF-style: chr3-54420721-G-GTTTTT.
Identifiers: ClinVar variation 3033751 (VCV003033751.2), dbSNP rs62967361, ClinGen allele CA434054224.